The following is an entry in ClinVar:

NM_001367624.2(ZNF469):c.32C>T (p.Pro11Leu)

Gene: ZNF469 (zinc finger protein 469; plus strand). Cytogenetic location: 16q24.2.
Variant type: single nucleotide variant.
Coding change: c.32C>T on transcript NM_001367624.2 (MANE Select); coding-DNA position 32, C replaced by T.
Protein change: p.Pro11Leu; replaces proline 11 with leucine.
Molecular consequence: missense variant.
Genome position (GRCh38, 1-based): chr16:88,427,502, C>T. VCF-style: chr16-88427502-C-T. GRCh37 (hg19) VCF-style: chr16-88493910-C-T.
Other names: NM_001127464.1:c.32C>T; short protein forms P11L.
Identifiers: ClinVar variation 1994265 (VCV001994265.2), dbSNP rs1184091499, ClinGen allele CA397057442.
Genomic context (GRCh38, chr16:88,427,502, plus strand): 5'-CGTCGTCCTAGCGCCAGGACGGAGGGGCCATGCCTGGGGAGCGCCCCCGAGGAGCGCCGC[C>T]CCCCACCATGACTGGAGACCTGCAGCCCCGCCAAGTTGCCAGCAGCCCGGGGCACCCCTC-3'
Protein context (NP_001354553.1, residues 1-21): MPGERPRGAP[Pro11Leu]PTMTGDLQPR

ClinVar aggregate classification (germline): Uncertain significance. Review status: criteria provided, multiple submitters, no conflicts (2 of 4 stars). 2 submissions from 2 submitters: Uncertain significance (2). Last evaluated 2024-10-27.

Conditions:
Cardiovascular phenotype. Identifiers: MedGen CN230736.

gnomAD v4.1: 3 of 1,530,408 alleles (0.0002%); highest among the groups gnomAD compares: Admixed American, 0.0059%; no homozygotes.

Submissions (2):

Ambry Genetics
Classification: Uncertain significance for Cardiovascular phenotype. Last evaluated: 2024-10-27. Review status: criteria provided, single submitter. Criteria: Ambry Variant Classification Scheme 2023. Collection method: clinical testing. Allele origin: germline.
Comment: The p.P11L variant (also known as c.32C>T), located in coding exon 1 of the ZNF469 gene, results from a C to T substitution at nucleotide position 32. The proline at codon 11 is replaced by leucine, an amino acid with similar properties. This amino acid position is conserved. In addition, this alteration is predicted to be tolerated by in silico analysis. Based on the available evidence, the clinical significance of this variant remains unclear.

Labcorp Genetics (formerly Invitae), Labcorp
Classification: Uncertain significance. Last evaluated: 2021-11-25. Review status: criteria provided, single submitter. Criteria: Invitae Variant Classification Sherloc (09022015). Collection method: clinical testing. Allele origin: germline.
Comment: This sequence change replaces proline, which is neutral and non-polar, with leucine, which is neutral and non-polar, at codon 11 of the ZNF469 protein (p.Pro11Leu). This variant is present in population databases (no rsID available, gnomAD 0.004%). This variant has not been reported in the literature in individuals affected with ZNF469-related conditions. Algorithms developed to predict the effect of missense changes on protein structure and function are either unavailable or do not agree on the potential impact of this missense change (SIFT: "Deleterious"; PolyPhen-2: "Benign"; Align-GVGD: "Class C0"). In summary, the available evidence is currently insufficient to determine the role of this variant in disease. Therefore, it has been classified as a Variant of Uncertain Significance.